The following is an entry in ClinVar:

NM_001005242.3(PKP2):c.1201C>A (p.Leu401Met)

Gene: PKP2 (plakophilin 2; minus strand). Cytogenetic location: 12p11.21.
Variant type: single nucleotide variant.
Coding change: c.1201C>A on transcript NM_001005242.3 (MANE Select); coding-DNA position 1201, C replaced by A.
Protein change: p.Leu401Met; replaces leucine 401 with methionine.
Molecular consequence: missense variant.
Genome position (GRCh38, 1-based): chr12:32,850,943, G>T on the plus strand (C>A on the coding strand, the complement: PKP2 is on the minus strand). VCF-style: chr12-32850943-G-T. GRCh37 (hg19) VCF-style: chr12-33003877-G-T.
Other names: c.1201C>A, p.Leu401Met (NM_001407155.1, NM_001407156.1, NM_001407157.1 and 2 more transcripts); c.874C>A, p.Leu292Met (NM_001407158.1, NM_001407159.1, NM_001407160.1 and 1 more transcripts); short protein forms L292M, L401M.
Identifiers: ClinVar variation 2774101 (VCV002774101.3), dbSNP rs1956691352, ClinGen allele CA384370906.

ClinVar aggregate classification (germline): Uncertain significance. Review status: criteria provided, multiple submitters, no conflicts (2 of 4 stars). 2 submissions from 2 submitters: Uncertain significance (2). Last evaluated 2024-03-06.

Conditions:
Cardiomyopathy (CMYO). Also called: Cardiomyopathies. Identifiers: Orphanet 167848, MedGen C0878544, MONDO:0004994, HP:0001638. Inheritance: Various modes of inheritance.
Cardiovascular phenotype. Identifiers: MedGen CN230736.

Allele frequency attached by ClinVar (database versions not stated): TOPMed below 0.00001.

Submissions (2):

Color Diagnostics, LLC DBA Color Health
Classification: Uncertain significance for Cardiomyopathy. Last evaluated: 2024-03-06. Review status: criteria provided, single submitter. Criteria: ACMG Guidelines, 2015. Collection method: clinical testing. Allele origin: germline.
Comment: This missense variant replaces leucine with methionine at codon 401 of the PKP2 protein. Computational prediction suggests that this variant may not impact protein structure and function (internally defined REVEL score threshold <= 0.5, PMID: 27666373). To our knowledge, functional studies have not been reported for this variant. This variant has not been reported in individuals affected with cardiovascular disorders in the literature. This variant has not been identified in the general population by the Genome Aggregation Database (gnomAD). The available evidence is insufficient to determine the role of this variant in disease conclusively. Therefore, this variant is classified as a Variant of Uncertain Significance.

Ambry Genetics
Classification: Uncertain significance for Cardiovascular phenotype. Last evaluated: 2023-12-12. Review status: criteria provided, single submitter. Criteria: Ambry Variant Classification Scheme 2023. Collection method: clinical testing. Allele origin: germline.